The following is an entry in ClinVar:

ClinVar aggregate classification (germline): Uncertain significance. Review status: criteria provided, multiple submitters, no conflicts (2 of 4 stars). 2 submissions from 2 submitters: Uncertain significance (2). Last evaluated 2022-11-15.

Conditions:
Inborn genetic diseases. Identifiers: MedGen C0950123, MeSH D030342.

Allele frequency attached by ClinVar (database versions not stated): gnomAD exomes below 0.00001.
gnomAD v4.1: 1 of 1,612,650 alleles (0.000062%); highest among the groups gnomAD compares: Admixed American, 0.0017%; no homozygotes.

Submissions (2):

Labcorp Genetics (formerly Invitae), Labcorp
Classification: Uncertain significance. Last evaluated: 2022-11-15. Review status: criteria provided, single submitter. Criteria: Invitae Variant Classification Sherloc (09022015). Collection method: clinical testing. Allele origin: germline.
Comment: Algorithms developed to predict the effect of missense changes on protein structure and function are either unavailable or do not agree on the potential impact of this missense change (SIFT: "Tolerated"; PolyPhen-2: "Possibly Damaging"; Align-GVGD: "Class C0"). In summary, the available evidence is currently insufficient to determine the role of this variant in disease. Therefore, it has been classified as a Variant of Uncertain Significance. ClinVar contains an entry for this variant (Variation ID: 1470741). This variant has not been reported in the literature in individuals affected with DNAJC12-related conditions. This variant is not present in population databases (gnomAD no frequency). This sequence change replaces glutamic acid, which is acidic and polar, with lysine, which is basic and polar, at codon 197 of the DNAJC12 protein (p.Glu197Lys).

Ambry Genetics
Classification: Uncertain significance for Inborn genetic diseases. Last evaluated: 2022-09-29. Review status: criteria provided, single submitter. Criteria: Ambry Variant Classification Scheme 2023. Collection method: clinical testing. Allele origin: germline.

NM_021800.3(DNAJC12):c.589G>A (p.Glu197Lys)

Gene: DNAJC12 (DnaJ heat shock protein family (Hsp40) member C12; minus strand). Cytogenetic location: 10q21.3.
Variant type: single nucleotide variant.
Coding change: c.589G>A on transcript NM_021800.3 (MANE Select); coding-DNA position 589, G replaced by A.
Protein change: p.Glu197Lys; replaces glutamic acid 197 with lysine.
Molecular consequence: missense variant.
Genome position (GRCh38, 1-based): chr10:67,797,124, C>T on the plus strand (G>A on the coding strand, the complement: DNAJC12 is on the minus strand). VCF-style: chr10-67797124-C-T. GRCh37 (hg19) VCF-style: chr10-69556882-C-T.
Other names: c.589G>A (NM_021800.2); short protein forms E197K.
Identifiers: ClinVar variation 1470741 (VCV001470741.7), dbSNP rs1564855448, ClinGen allele CA377102323.